The following is an entry in ClinVar:

NM_001294.4(CLPTM1):c.249G>A (p.Ala83=)

Gene: CLPTM1 (CLPTM1 regulator of GABA type A receptor forward trafficking; plus strand). Cytogenetic location: 19q13.32.
Variant type: single nucleotide variant.
Coding change: c.249G>A on transcript NM_001294.4 (MANE Select); coding-DNA position 249, G replaced by A.
Protein change: p.Ala83=; no amino-acid change (alanine 83 retained).
Molecular consequence: synonymous variant. On other transcripts: 5 prime UTR variant (1).
Genome position (GRCh38, 1-based): chr19:44,973,150, G>A. VCF-style: chr19-44973150-G-A. GRCh37 (hg19) VCF-style: chr19-45476407-G-A.
Other names: c.207G>A, p.Ala69= (NM_001282175.2); c.-58G>A (NM_001282176.2).
Identifiers: ClinVar variation 3035253 (VCV003035253.2), dbSNP rs377613090, ClinGen allele CA9506767.

ClinVar aggregate classification (germline): Likely benign (0 of 4 stars; one submission).

Conditions:
CLPTM1-related disorder. Also called: CLPTM1-related condition.

Allele frequency attached by ClinVar (database versions not stated): ExAC 0.00007; ESP Exome Variant Server 0.00008; gnomAD 0.00009; TOPMed 0.00011; gnomAD exomes 0.00014.
gnomAD v4.1: 220 of 1,613,920 alleles (0.014%); highest among the groups gnomAD compares: Non-Finnish European, 0.017%; no homozygotes.

Submission:

PreventionGenetics, part of Exact Sciences
Classification: Likely benign for CLPTM1-related condition. Last evaluated: 2019-04-09. Review status: no assertion criteria provided. Collection method: clinical testing. Allele origin: germline.
Comment: This variant is classified as likely benign based on ACMG/AMP sequence variant interpretation guidelines (Richards et al. 2015 PMID: 25741868, with internal and published modifications).